The following is an entry in ClinVar:

NM_001048174.2(MUTYH):c.271G>C (p.Asp91His)

Gene: MUTYH (mutY DNA glycosylase; minus strand). Cytogenetic location: 1p34.1.
Variant type: single nucleotide variant.
Coding change: c.271G>C on transcript NM_001048174.2 (MANE Select); coding-DNA position 271, G replaced by C.
Protein change: p.Asp91His; replaces aspartic acid 91 with histidine.
Molecular consequence: missense variant. On other transcripts: 5 prime UTR variant (6), non-coding transcript variant (7).
Genome position (GRCh38, 1-based): chr1:45,333,318, C>G on the plus strand (G>C on the coding strand, the complement: MUTYH is on the minus strand). VCF-style: chr1-45333318-C-G. GRCh37 (hg19) VCF-style: chr1-45798990-C-G.
Other names: c.274G>C, p.Asp92His (NM_001048172.2, NM_001407079.1, NM_001407086.1 and 2 more transcripts); c.271G>C, p.Asp91His (NM_001048173.2, NM_001293195.2, NM_001407080.1 and 6 more transcripts); c.355G>C, p.Asp119His (NM_001128425.2); c.316G>C, p.Asp106His (NM_001293190.2); c.304G>C, p.Asp102His (NM_001293191.2, NM_001407077.1); c.-6G>C (NM_001293192.2, NM_001293196.2, NM_001407091.1); c.-1G>C (NM_001350650.2, NM_001407082.1, NM_001350651.2); c.313G>C, p.Asp105His (NM_001407083.1, NM_001407085.1, NM_001407073.1); and 3 more; short protein forms D102H, D105H, D119H, D92H, D106H, D116H, D63H, D91H.
Identifiers: ClinVar variation 4113618 (VCV004113618.1).

ClinVar aggregate classification (germline): Uncertain significance (1 of 4 stars; one submission).

Conditions:
Hereditary cancer-predisposing syndrome. Also called: Hereditary neoplastic syndrome; Neoplastic Syndromes, Hereditary; Tumor predisposition; Hereditary Cancer Syndrome. Identifiers: Orphanet 140162, MedGen C0027672, MeSH D009386, MONDO:0015356.

Submission:

Ambry Genetics
Classification: Uncertain significance for Hereditary cancer-predisposing syndrome. Last evaluated: 2025-08-27. Review status: criteria provided, single submitter. Criteria: Ambry Variant Classification Scheme 2023. Collection method: clinical testing. Allele origin: germline.
Comment: The p.D119H variant (also known as c.355G>C), located in coding exon 4 of the MUTYH gene, results from a G to C substitution at nucleotide position 355. The aspartic acid at codon 119 is replaced by histidine, an amino acid with similar properties. This amino acid position is conserved. In addition, this alteration is predicted to be tolerated by in silico analysis. Based on the available evidence, the clinical significance of this variant remains unclear.